The following is an entry in ClinVar:

NM_016203.4(PRKAG2):c.398A>C (p.Glu133Ala)

Gene: PRKAG2 (protein kinase AMP-activated non-catalytic subunit gamma 2; minus strand). Cytogenetic location: 7q36.1.
Variant type: single nucleotide variant.
Coding change: c.398A>C on transcript NM_016203.4 (MANE Select); coding-DNA position 398, A replaced by C.
Protein change: p.Glu133Ala; replaces glutamic acid 133 with alanine.
Molecular consequence: missense variant. On other transcripts: intron variant (1).
Genome position (GRCh38, 1-based): chr7:151,781,220, T>G on the plus strand (A>C on the coding strand, the complement: PRKAG2 is on the minus strand). VCF-style: chr7-151781220-T-G. GRCh37 (hg19) VCF-style: chr7-151478306-T-G.
Other names: c.266A>C, p.Glu89Ala (NM_001040633.2, NM_001407024.1, NM_001407026.1 and 2 more transcripts); c.398A>C, p.Glu133Ala (NM_001407021.1, NM_001407022.1, NM_001407023.1 and 2 more transcripts); c.148+33196A>C (NM_001407032.1); short protein forms E89A, E133A.
Identifiers: ClinVar variation 3636784 (VCV003636784.2).

ClinVar aggregate classification (germline): Uncertain significance (1 of 4 stars; one submission).

Conditions:
Lethal congenital glycogen storage disease of heart. Also called: PHOSPHORYLASE KINASE DEFICIENCY OF HEART; GLYCOGEN STORAGE DISEASE OF HEART. Identifiers: Orphanet 439854, MedGen C1849813, MONDO:0009867, OMIM 261740.

Submission:

Labcorp Genetics (formerly Invitae), Labcorp
Classification: Uncertain significance for Lethal congenital glycogen storage disease of heart. Last evaluated: 2024-04-08. Review status: criteria provided, single submitter. Criteria: Invitae Variant Classification Sherloc (09022015). Collection method: clinical testing. Allele origin: germline.
Comment: This sequence change replaces glutamic acid, which is acidic and polar, with alanine, which is neutral and non-polar, at codon 133 of the PRKAG2 protein (p.Glu133Ala). This variant is not present in population databases (gnomAD no frequency). This variant has not been reported in the literature in individuals affected with PRKAG2-related conditions. Advanced modeling of protein sequence and biophysical properties (such as structural, functional, and spatial information, amino acid conservation, physicochemical variation, residue mobility, and thermodynamic stability) performed at Invitae indicates that this missense variant is not expected to disrupt PRKAG2 protein function with a negative predictive value of 95%. In summary, the available evidence is currently insufficient to determine the role of this variant in disease. Therefore, it has been classified as a Variant of Uncertain Significance.